The following is an entry in ClinVar:

NM_000245.4(MET):c.1024C>A (p.Leu342Ile)

Gene: MET (MET proto-oncogene, receptor tyrosine kinase; plus strand). Cytogenetic location: 7q31.2.
Variant type: single nucleotide variant.
Coding change: c.1024C>A on transcript NM_000245.4 (MANE Select); coding-DNA position 1024, C replaced by A.
Protein change: p.Leu342Ile; replaces leucine 342 with isoleucine.
Molecular consequence: missense variant. On other transcripts: intron variant (1).
Genome position (GRCh38, 1-based): chr7:116,700,108, C>A. VCF-style: chr7-116700108-C-A. GRCh37 (hg19) VCF-style: chr7-116340162-C-A.
Other names: c.1024C>A, p.Leu342Ile (NM_001127500.3, NM_001324401.3); c.-91+27531C>A (NM_001324402.2); short protein forms L342I.
Identifiers: ClinVar variation 2868759 (VCV002868759.4), dbSNP rs749082043, ClinGen allele CA368970375.

ClinVar aggregate classification (germline): Uncertain significance. Review status: criteria provided, multiple submitters, no conflicts (2 of 4 stars). 2 submissions from 2 submitters: Uncertain significance (2). Last evaluated 2026-07-27.

Conditions:
Hereditary cancer-predisposing syndrome. Also called: Hereditary Cancer Syndrome; Hereditary neoplastic syndrome; Neoplastic Syndromes, Hereditary; Tumor predisposition. Identifiers: Orphanet 140162, MedGen C0027672, MeSH D009386, MONDO:0015356.
Renal cell carcinoma. Identifiers: Orphanet 217071, MedGen C0007134, MeSH D002292, MONDO:0005086, HP:0005584.

Submissions (2):

Ambry Genetics
Classification: Uncertain significance for Hereditary cancer-predisposing syndrome. Last evaluated: 2026-07-27. Review status: criteria provided, single submitter. Criteria: Ambry Variant Classification Scheme 2023. Collection method: clinical testing. Allele origin: germline.
Comment: The p.L342I variant (also known as c.1024C>A), located in coding exon 1 of the MET gene, results from a C to A substitution at nucleotide position 1024. The leucine at codon 342 is replaced by isoleucine, an amino acid with highly similar properties. This amino acid position is conserved. In addition, this alteration is predicted to be tolerated by in silico analysis. Based on the available evidence, the clinical significance of this variant remains unclear.

Labcorp Genetics (formerly Invitae), Labcorp
Classification: Uncertain significance for Renal cell carcinoma. Last evaluated: 2024-11-19. Review status: criteria provided, single submitter. Criteria: Invitae Variant Classification Sherloc (09022015). Collection method: clinical testing. Allele origin: germline.
Comment: This sequence change replaces leucine, which is neutral and non-polar, with isoleucine, which is neutral and non-polar, at codon 342 of the MET protein (p.Leu342Ile). This variant is not present in population databases (gnomAD no frequency). This variant has not been reported in the literature in individuals affected with MET-related conditions. ClinVar contains an entry for this variant (Variation ID: 2868759). Invitae Evidence Modeling of protein sequence and biophysical properties (such as structural, functional, and spatial information, amino acid conservation, physicochemical variation, residue mobility, and thermodynamic stability) indicates that this missense variant is expected to disrupt MET protein function with a positive predictive value of 80%. In summary, the available evidence is currently insufficient to determine the role of this variant in disease. Therefore, it has been classified as a Variant of Uncertain Significance.